The following is an entry in ClinVar:

ClinVar aggregate classification (germline): Benign (0 of 4 stars; one submission).

Conditions:
TTC28-related disorder. Also called: TTC28-related condition.

Allele frequency attached by ClinVar (database versions not stated): 1000 Genomes Project 30x 0.00281; 1000 Genomes Project 0.00300; TOPMed 0.00592; ESP Exome Variant Server 0.00723; ExAC 0.01087.
gnomAD v4.1: 11,512 of 1,551,810 alleles (0.74%); highest among the groups gnomAD compares: Middle Eastern, 2.1%; 80 homozygotes.

Submission:

PreventionGenetics, part of Exact Sciences
Classification: Benign for TTC28-related condition. Last evaluated: 2023-12-30. Review status: no assertion criteria provided. Collection method: clinical testing. Allele origin: germline.
Comment: This variant is classified as benign based on ACMG/AMP sequence variant interpretation guidelines (Richards et al. 2015 PMID: 25741868, with internal and published modifications).

NM_001145418.2(TTC28):c.2994C>T (p.Asp998=)

Gene: TTC28 (tetratricopeptide repeat domain 28; minus strand). Cytogenetic location: 22q12.1.
Variant type: single nucleotide variant.
Coding change: c.2994C>T on transcript NM_001145418.2 (MANE Select); coding-DNA position 2994, C replaced by T.
Protein change: p.Asp998=; no amino-acid change (aspartic acid 998 retained).
Molecular consequence: synonymous variant.
Genome position (GRCh38, 1-based): chr22:28,105,592, G>A on the plus strand (C>T on the coding strand, the complement: TTC28 is on the minus strand). VCF-style: chr22-28105592-G-A. GRCh37 (hg19) VCF-style: chr22-28501580-G-A.
Other names: c.2994C>T, p.Asp998= (NM_001393403.1); c.2640C>T, p.Asp880= (NM_001393404.1, NM_001393405.1).
Identifiers: ClinVar variation 3038279 (VCV003038279.2), dbSNP rs189318371, ClinGen allele CA10167384.
Genomic context (GRCh38, chr22:28,105,592, plus strand): 5'-CTGCAGGGCTGTGTCATACTCCCCCATCTGCTGGTAAACGCCCCCCAGGCCACAGGCTGC[G>A]TCACTCTCCAGGGCTCGGTCTTTCATATCTCTAGCAATGTTCAGCTGGCGTTCAAGGCAG-3'
Protein context (NP_001138890.1, residues 988-1008): RDMKDRALES[Asp998=]AACGLGGVYQ